The following is an entry in ClinVar:

NM_001267550.2(TTN):c.66637C>T (p.Gln22213Ter)

Genes: TTN (titin; minus strand), TTN-AS1 (TTN antisense RNA 1; plus strand). Cytogenetic location: 2q31.2.
Variant type: single nucleotide variant.
Coding change: c.66637C>T on transcript NM_001267550.2 (MANE Select); coding-DNA position 66637, C replaced by T.
Protein change: p.Gln22213Ter; replaces glutamine 22213 with a stop codon.
Molecular consequence: nonsense.
Genome position (GRCh38, 1-based): chr2:178,581,631, G>A on the plus strand (C>T on the coding strand, the complement: TTN is on the minus strand). VCF-style: chr2-178581631-G-A. GRCh37 (hg19) VCF-style: chr2-179446358-G-A.
Other names: c.61714C>T, p.Gln20572Ter (NM_001256850.1); c.39442C>T, p.Gln13148Ter (NM_003319.4); c.58933C>T, p.Gln19645Ter (NM_133378.4); c.39817C>T, p.Gln13273Ter (NM_133432.3); c.40018C>T, p.Gln13340Ter (NM_133437.4); short protein forms Q13148*, Q19645*, Q22213*, Q13273*, Q13340*, Q20572*.
Identifiers: ClinVar variation 2028868 (VCV002028868.4), dbSNP rs1479561157, ClinGen allele CA349428623.
Genomic context (GRCh38, chr2:178,581,631, plus strand): 5'-ACACACGGAATTGATATTGTGTGTCTTCCATCAGGCCAGTAACCTCAAAGCGGGTTTTCT[G>A]TAGATTCTGTGGTAAGTTGCACCTCACCCAGTTATCGGAGTCAGCCCGTTTTACTTCAAC-3'

ClinVar aggregate classification (germline): Likely pathogenic (1 of 4 stars; one submission).

Conditions:
Dilated cardiomyopathy 1G (CMD1G). Identifiers: Orphanet 154, MedGen C1858763, MONDO:0011400, OMIM 604145.
Autosomal recessive limb-girdle muscular dystrophy type 2J (LGMDR10). Also called: Limb-girdle muscular dystrophy, type 2J; MUSCULAR DYSTROPHY, LIMB-GIRDLE, AUTOSOMAL RECESSIVE 10. Identifiers: Orphanet 140922, MedGen C1837342, MONDO:0012127, OMIM 608807.

Submission:

Labcorp Genetics (formerly Invitae), Labcorp
Classification: Likely pathogenic for Dilated cardiomyopathy 1G; Autosomal recessive limb-girdle muscular dystrophy type 2J. Last evaluated: 2023-08-24. Review status: criteria provided, single submitter. Criteria: Invitae Variant Classification Sherloc (09022015). Collection method: clinical testing. Allele origin: germline.
Comment: In summary, the currently available evidence indicates that the variant is pathogenic, but additional data are needed to prove that conclusively. Therefore, this variant has been classified as Likely Pathogenic. This variant is located in the A band of TTN (PMID: 25589632). Truncating variants in this region are significantly overrepresented in patients affected with dilated cardiomyopathy (PMID: 25589632). Truncating variants in this region have also been reported in individuals affected with autosomal recessive centronuclear myopathy (PMID: 23975875). ClinVar contains an entry for this variant (Variation ID: 2028868). This variant has not been reported in the literature in individuals affected with TTN-related conditions. The frequency data for this variant in the population databases is considered unreliable, as metrics indicate poor data quality at this position in the gnomAD database. This sequence change creates a premature translational stop signal (p.Gln22213*) in the TTN gene. While this is not anticipated to result in nonsense mediated decay, it is expected to create a truncated TTN protein.

Literature cited by the submitters: PubMed 25589632; PubMed 23975875.